The following is an entry in ClinVar:

ClinVar aggregate classification (germline): Uncertain significance. Review status: criteria provided, multiple submitters, no conflicts (2 of 4 stars). 3 submissions from 3 submitters: Uncertain significance (3). Last evaluated 2022-04-09.

Conditions:
Smith-Lemli-Opitz syndrome (SLOS). Also called: LETHAL ACRODYSGENITAL SYNDROME; POLYDACTYLY, SEX REVERSAL, RENAL HYPOPLASIA, AND UNILOBAR LUNG; RSH SYNDROME; RUTLEDGE LETHAL MULTIPLE CONGENITAL ANOMALY SYNDROME; 7-Dehydrocholesterol reductase deficiency. Identifiers: Orphanet 818, MedGen C0175694, MONDO:0010035, OMIM 270400.

Allele frequency attached by ClinVar (database versions not stated): TOPMed below 0.00001; ExAC 0.00001; gnomAD 0.00001; gnomAD exomes 0.00001.
gnomAD v4.1: 12 of 1,613,690 alleles (0.00074%); highest among the groups gnomAD compares: Middle Eastern, 0.016%; no homozygotes.

Submissions (3):

Labcorp Genetics (formerly Invitae), Labcorp
Classification: Uncertain significance for Smith-Lemli-Opitz syndrome. Last evaluated: 2022-04-09. Review status: criteria provided, single submitter. Criteria: Invitae Variant Classification Sherloc (09022015). Collection method: clinical testing. Allele origin: germline.
Comment: This sequence change replaces valine, which is neutral and non-polar, with isoleucine, which is neutral and non-polar, at codon 275 of the DHCR7 protein (p.Val275Ile). This variant is present in population databases (rs775628929, gnomAD 0.003%). This variant has not been reported in the literature in individuals affected with DHCR7-related conditions. ClinVar contains an entry for this variant (Variation ID: 1330486). Advanced modeling of protein sequence and biophysical properties (such as structural, functional, and spatial information, amino acid conservation, physicochemical variation, residue mobility, and thermodynamic stability) performed at Invitae indicates that this missense variant is not expected to disrupt DHCR7 protein function. In summary, the available evidence is currently insufficient to determine the role of this variant in disease. Therefore, it has been classified as a Variant of Uncertain Significance.

Fulgent Genetics
Classification: Uncertain significance for Smith-Lemli-Opitz syndrome. Last evaluated: 2021-07-06. Review status: criteria provided, single submitter. Criteria: ACMG Guidelines, 2015. Collection method: clinical testing. Allele origin: unknown.

ARUP Laboratories, Molecular Genetics and Genomics, ARUP Laboratories
Classification: Uncertain significance for Smith-Lemli-Opitz syndrome. Last evaluated: 2021-02-11. Review status: criteria provided, single submitter. Criteria: ARUP Molecular Germline Variant Investigation Process 2021. Collection method: clinical testing. Allele origin: germline.
Comment: The DHCR7 c.823G>A; p.Val275Ile variant (rs775628929), to our knowledge, is not reported in the medical literature or gene specific databases. This variant is found in the general population with an overall allele frequency of 0.0008% (2/251048 alleles) in the Genome Aggregation Database. The valine at codon 275 is moderately conserved, but computational analyses predict that this variant is neutral (REVEL: 0.033). However, given the lack of clinical and functional data, the significance of the p.Val275Ile variant is uncertain at this time.

NM_001360.3(DHCR7):c.823G>A (p.Val275Ile)

Gene: DHCR7 (7-dehydrocholesterol reductase; minus strand). Cytogenetic location: 11q13.4.
Variant type: single nucleotide variant.
Coding change: c.823G>A on transcript NM_001360.3 (MANE Select); coding-DNA position 823, G replaced by A.
Protein change: p.Val275Ile; replaces valine 275 with isoleucine.
Molecular consequence: missense variant.
Genome position (GRCh38, 1-based): chr11:71,438,887, C>T on the plus strand (G>A on the coding strand, the complement: DHCR7 is on the minus strand). VCF-style: chr11-71438887-C-T. GRCh37 (hg19) VCF-style: chr11-71149933-C-T.
Other names: c.823G>A, p.Val275Ile (NM_001163817.2); short protein forms V275I.
Identifiers: ClinVar variation 1330486 (VCV001330486.9), dbSNP rs775628929, ClinGen allele CA6162449.